The following is an entry in ClinVar:

NM_006005.3(WFS1):c.1918C>G (p.Leu640Val)

Gene: WFS1 (wolframin ER transmembrane glycoprotein; plus strand). Cytogenetic location: 4p16.1.
Variant type: single nucleotide variant.
Coding change: c.1918C>G on transcript NM_006005.3 (MANE Select); coding-DNA position 1918, C replaced by G.
Protein change: p.Leu640Val; replaces leucine 640 with valine.
Molecular consequence: missense variant.
Genome position (GRCh38, 1-based): chr4:6,301,713, C>G. VCF-style: chr4-6301713-C-G. GRCh37 (hg19) VCF-style: chr4-6303440-C-G.
Other names: c.1918C>G, p.Leu640Val (NM_001145853.1); short protein forms L640V.
Identifiers: ClinVar variation 1435211 (VCV001435211.6), dbSNP rs777622586, ClinGen allele CA91796680.

ClinVar aggregate classification (germline): Uncertain significance (1 of 4 stars; one submission).

Allele frequency attached by ClinVar (database versions not stated): gnomAD 0.00001.

Submission:

Labcorp Genetics (formerly Invitae), Labcorp
Classification: Uncertain significance. Last evaluated: 2024-11-06. Review status: criteria provided, single submitter. Criteria: Invitae Variant Classification Sherloc (09022015). Collection method: clinical testing. Allele origin: germline.
Comment: This sequence change replaces leucine, which is neutral and non-polar, with valine, which is neutral and non-polar, at codon 640 of the WFS1 protein (p.Leu640Val). This variant is not present in population databases (gnomAD no frequency). This variant has not been reported in the literature in individuals affected with WFS1-related conditions. ClinVar contains an entry for this variant (Variation ID: 1435211). Invitae Evidence Modeling of protein sequence and biophysical properties (such as structural, functional, and spatial information, amino acid conservation, physicochemical variation, residue mobility, and thermodynamic stability) indicates that this missense variant is not expected to disrupt WFS1 protein function with a negative predictive value of 80%. In summary, the available evidence is currently insufficient to determine the role of this variant in disease. Therefore, it has been classified as a Variant of Uncertain Significance.